The following is an entry in ClinVar:

ClinVar aggregate classification (germline): Uncertain significance (1 of 4 stars; one submission).

Conditions:
Dilated cardiomyopathy 1G (CMD1G). Identifiers: Orphanet 154, MedGen C1858763, MONDO:0011400, OMIM 604145.
Autosomal recessive limb-girdle muscular dystrophy type 2J (LGMDR10). Also called: Limb-girdle muscular dystrophy, type 2J; MUSCULAR DYSTROPHY, LIMB-GIRDLE, AUTOSOMAL RECESSIVE 10. Identifiers: Orphanet 140922, MedGen C1837342, MONDO:0012127, OMIM 608807.

Submission:

Labcorp Genetics (formerly Invitae), Labcorp
Classification: Uncertain significance for Dilated cardiomyopathy 1G; Autosomal recessive limb-girdle muscular dystrophy type 2J. Last evaluated: 2024-08-20. Review status: criteria provided, single submitter. Criteria: Invitae Variant Classification Sherloc (09022015). Collection method: clinical testing. Allele origin: germline.
Comment: This sequence change replaces lysine, which is basic and polar, with asparagine, which is neutral and polar, at codon 223 of the TTN protein (p.Lys223Asn). This variant also falls at the last nucleotide of exon 5, which is part of the consensus splice site for this exon. This variant is not present in population databases (gnomAD no frequency). This variant has not been reported in the literature in individuals affected with TTN-related conditions. Experimental studies and prediction algorithms are not available or were not evaluated, and the functional significance of this variant is currently unknown. Variants that disrupt the consensus splice site are a relatively common cause of aberrant splicing (PMID: 17576681, 9536098). Algorithms developed to predict the effect of sequence changes on RNA splicing suggest that this variant may disrupt the consensus splice site. This variant is located in the Z band of TTN (PMID: 25589632). Non-truncating variants in this region may be clinically relevant, but have not been definitively shown to cause cardiomyopathy or neuromuscular disease (PMID: 27493940, 32778822). In summary, the available evidence is currently insufficient to determine the role of this variant in disease. Therefore, it has been classified as a Variant of Uncertain Significance.

Literature cited by the submitters: PubMed 17576681; PubMed 9536098; PubMed 25589632; PubMed 27493940; PubMed 32778822.

NM_001267550.2(TTN):c.669G>C (p.Lys223Asn)

Gene: TTN (titin; minus strand). Cytogenetic location: 2q31.2.
Variant type: single nucleotide variant.
Coding change: c.669G>C on transcript NM_001267550.2 (MANE Select); coding-DNA position 669, G replaced by C.
Protein change: p.Lys223Asn; replaces lysine 223 with asparagine.
Molecular consequence: missense variant.
Genome position (GRCh38, 1-based): chr2:178,799,825, C>G on the plus strand (G>C on the coding strand, the complement: TTN is on the minus strand). VCF-style: chr2-178799825-C-G. GRCh37 (hg19) VCF-style: chr2-179664552-C-G.
Other names: c.669G>C, p.Lys223Asn (NM_001256850.1, NM_003319.4, NM_133378.4 and 3 more transcripts); short protein forms K223N.
Identifiers: ClinVar variation 3757770 (VCV003757770.2).